The following is an entry in ClinVar:

NM_001430.5(EPAS1):c.179C>T (p.Ala60Val)

Gene: EPAS1 (endothelial PAS domain protein 1; plus strand). Cytogenetic location: 2p21.
Variant type: single nucleotide variant.
Coding change: c.179C>T on transcript NM_001430.5 (MANE Select); coding-DNA position 179, C replaced by T.
Protein change: p.Ala60Val; replaces alanine 60 with valine.
Molecular consequence: missense variant.
Genome position (GRCh38, 1-based): chr2:46,347,025, C>T. VCF-style: chr2-46347025-C-T. GRCh37 (hg19) VCF-style: chr2-46574164-C-T.
Other names: short protein forms A60V.
Identifiers: ClinVar variation 1780332 (VCV001780332.3), dbSNP rs1400888506, ClinGen allele CA346697200.

ClinVar aggregate classification (germline): Uncertain significance (1 of 4 stars; one submission).

Conditions:
Inborn genetic diseases. Identifiers: MedGen C0950123, MeSH D030342.

Allele frequency attached by ClinVar (database versions not stated): gnomAD exomes below 0.00001; TOPMed 0.00001.
gnomAD v4.1: 1 of 1,614,202 alleles (0.000062%); highest among the groups gnomAD compares: Admixed American, 0.0017%; no homozygotes.

Submission:

Ambry Genetics
Classification: Uncertain significance for Inborn genetic diseases. Last evaluated: 2024-06-26. Review status: criteria provided, single submitter. Criteria: Ambry Variant Classification Scheme 2023. Collection method: clinical testing. Allele origin: germline.
Comment: The p.A60V variant (also known as c.179C>T), located in coding exon 2 of the EPAS1 gene, results from a C to T substitution at nucleotide position 179. The alanine at codon 60 is replaced by valine, an amino acid with similar properties. This amino acid position is conserved. In addition, the in silico prediction for this alteration is inconclusive. Since supporting evidence is limited at this time, the clinical significance of this alteration remains unclear.